The following is an entry in ClinVar:

NM_002834.3(PTPN11):c.-287G>C

Genes: PTPN11 (protein tyrosine phosphatase non-receptor type 11; plus strand), RPL6 (ribosomal protein L6; minus strand). Cytogenetic location: 12q24.13.
Variant type: single nucleotide variant.
Coding change: c.-287G>C on transcript NM_002834.3; 287 bases upstream of the start codon, G replaced by C.
Molecular consequence: 5 prime UTR variant (on NM_001320141.2).
Genome position (GRCh38, 1-based): chr12:112,418,825, G>C. VCF-style: chr12-112418825-G-C. GRCh37 (hg19) VCF-style: chr12-112856629-G-C.
Other names: c.-326C>G (NM_001320141.2).
Identifiers: ClinVar variation 307219 (VCV000307219.7), dbSNP rs377496292, ClinGen allele CA10640216.

ClinVar aggregate classification (germline): Benign/Likely benign. Review status: criteria provided, single submitter (1 of 4 stars). 3 submissions from 1 submitter: Benign (2); Likely benign (1). Last evaluated 2018-01-12.

Conditions:
Noonan syndrome 1 (NS1). Also called: PTPN11-Related Noonan Syndrome; TURNER PHENOTYPE WITH NORMAL KARYOTYPE; FEMALE PSEUDO-TURNER SYNDROME. Identifiers: Orphanet 648, MedGen C4551602, MONDO:0008104, OMIM 163950. Disease mechanism: gain of function.
Metachondromatosis (METCDS). Identifiers: Orphanet 2499, MedGen C0410530, MONDO:0007979, OMIM 156250.
LEOPARD syndrome 1 (LPRD1). Also called: PTPN11-Related LEOPARD Syndrome; LENTIGINOSIS, CARDIOMYOPATHIC; MULTIPLE LENTIGINES SYNDROME. Identifiers: Orphanet 500, MedGen C4551484, MONDO:0100082, OMIM 151100.

Allele frequency attached by ClinVar (database versions not stated): gnomAD 0.00009 and 0.00011; 1000 Genomes Project 0.00040; 1000 Genomes Project 30x 0.00078; TOPMed 0.00012.
gnomAD v4.1: 66 of 479,868 alleles (0.014%); highest among the groups gnomAD compares: East Asian, 0.17%; no homozygotes.

Submissions (3):

Illumina Laboratory Services, Illumina
Classification: Benign for LEOPARD syndrome 1. Last evaluated: 2018-01-12. Review status: criteria provided, single submitter. Criteria: ICSL Variant Classification Criteria 13 December 2019. Collection method: clinical testing. Allele origin: germline.
Comment: This variant was observed in the ICSL laboratory as part of a predisposition screen in an ostensibly healthy population. It had not been previously curated by ICSL or reported in the Human Gene Mutation Database (HGMD: prior to June 1st, 2018), and was therefore a candidate for classification through an automated scoring system. Utilizing variant allele frequency, disease prevalence and penetrance estimates, and inheritance mode, an automated score was calculated to assess if this variant is too frequent to cause the disease. Based on the score and internal cut-off values, a variant classified as benign is not then subjected to further curation. The score for this variant resulted in a classification of benign for this disease.

Illumina Laboratory Services, Illumina
Classification: Likely benign for Noonan syndrome 1. Last evaluated: 2018-01-12. Review status: criteria provided, single submitter. Criteria: ICSL Variant Classification Criteria 13 December 2019. Collection method: clinical testing. Allele origin: germline.
Comment: This variant was observed in the ICSL laboratory as part of a predisposition screen in an ostensibly healthy population. It had not been previously curated by ICSL or reported in the Human Gene Mutation Database (HGMD: prior to June 1st, 2018), and was therefore a candidate for classification through an automated scoring system. Utilizing variant allele frequency, disease prevalence and penetrance estimates, and inheritance mode, an automated score was calculated to assess if this variant is too frequent to cause the disease. Based on the score and internal cut-off values, a variant classified as likely benign is not then subjected to further curation. The score for this variant resulted in a classification of likely benign for this disease.

Illumina Laboratory Services, Illumina
Classification: Benign for Metachondromatosis. Last evaluated: 2018-01-12. Review status: criteria provided, single submitter. Criteria: ICSL Variant Classification Criteria 13 December 2019. Collection method: clinical testing. Allele origin: germline.
Comment: the same text as in the submission from Illumina Laboratory Services, Illumina above.